The following is an entry in ClinVar:

NM_000199.5(SGSH):c.1438G>T (p.Val480Leu)

Gene: SGSH (N-sulfoglucosamine sulfohydrolase; minus strand). Cytogenetic location: 17q25.3.
Variant type: single nucleotide variant.
Coding change: c.1438G>T on transcript NM_000199.5 (MANE Select); coding-DNA position 1438, G replaced by T.
Protein change: p.Val480Leu; replaces valine 480 with leucine.
Molecular consequence: missense variant. On other transcripts: 3 prime UTR variant (2), non-coding transcript variant (1).
Genome position (GRCh38, 1-based): chr17:80,210,523, C>A on the plus strand (G>T on the coding strand, the complement: SGSH is on the minus strand). VCF-style: chr17-80210523-C-A. GRCh37 (hg19) VCF-style: chr17-78184322-C-A.
Other names: c.*525G>T (NM_001352921.3); c.*488G>T (NM_001352922.2); short protein forms V480L.
Identifiers: ClinVar variation 1374686 (VCV001374686.6), dbSNP rs1474556145, ClinGen allele CA401358424.

ClinVar aggregate classification (germline): Uncertain significance (1 of 4 stars; one submission).

Conditions:
Mucopolysaccharidosis, MPS-III-A (MPS3A). Also called: Mucopolysaccharidosis, type IIIA; mucopolysaccharidosis type 3A; MPS IIIA (Sanfilippo Syndrome Type A); HEPARAN SULFATE SULFATASE DEFICIENCY; Mucopolysaccharidosis type IIIA (Sanfilippo A); SANFILIPPO SYNDROME A. Identifiers: Orphanet 581, Orphanet 79269, MedGen C0086647, MONDO:0009655, OMIM 252900.

Allele frequency attached by ClinVar (database versions not stated): gnomAD exomes below 0.00001.
gnomAD v4.1: 6 of 1,610,916 alleles (0.00037%); highest among the groups gnomAD compares: South Asian, 0.0011%; no homozygotes.

Submission:

Labcorp Genetics (formerly Invitae), Labcorp
Classification: Uncertain significance for Mucopolysaccharidosis, MPS-III-A. Last evaluated: 2021-08-12. Review status: criteria provided, single submitter. Criteria: Invitae Variant Classification Sherloc (09022015). Collection method: clinical testing. Allele origin: germline.
Comment: In summary, the available evidence is currently insufficient to determine the role of this variant in disease. Therefore, it has been classified as a Variant of Uncertain Significance. Advanced modeling of protein sequence and biophysical properties (such as structural, functional, and spatial information, amino acid conservation, physicochemical variation, residue mobility, and thermodynamic stability) performed at Invitae indicates that this missense variant is expected to disrupt SGSH protein function. This variant has not been reported in the literature in individuals affected with SGSH-related conditions. This variant is not present in population databases (ExAC no frequency). This sequence change replaces valine with leucine at codon 480 of the SGSH protein (p.Val480Leu). The valine residue is highly conserved and there is a small physicochemical difference between valine and leucine.